The following is an entry in ClinVar:

NM_001365276.2(TNXB):c.5300A>T (p.Asp1767Val)

Gene: TNXB (tenascin XB; minus strand). Cytogenetic location: 6p21.33.
Variant type: single nucleotide variant.
Coding change: c.5300A>T on transcript NM_001365276.2 (MANE Select); coding-DNA position 5300, A replaced by T.
Protein change: p.Asp1767Val; replaces aspartic acid 1767 with valine.
Molecular consequence: missense variant.
Genome position (GRCh38, 1-based): chr6:32,069,840, T>A on the plus strand (A>T on the coding strand, the complement: TNXB is on the minus strand). VCF-style: chr6-32069840-T-A. GRCh37 (hg19) VCF-style: chr6-32037617-T-A.
Other names: c.6041A>T, p.Asp2014Val (NM_001428335.1); c.5300A>T, p.Asp1767Val (NM_019105.8); short protein forms D1767V, D2014V.
Identifiers: ClinVar variation 4615130 (VCV004615130.1).

ClinVar aggregate classification (germline): Uncertain significance (1 of 4 stars; one submission).

Conditions:
Cardiovascular phenotype. Identifiers: MedGen CN230736.

Submission:

Ambry Genetics
Classification: Uncertain significance for Cardiovascular phenotype. Last evaluated: 2025-11-22. Review status: criteria provided, single submitter. Criteria: Ambry Variant Classification Scheme 2023. Collection method: clinical testing. Allele origin: germline.
Comment: The p.D1767V variant (also known as c.5300A>T), located in coding exon 14 of the TNXB gene, results from an A to T substitution at nucleotide position 5300. The aspartic acid at codon 1767 is replaced by valine, an amino acid with highly dissimilar properties. This amino acid position is conserved. In addition, this alteration is predicted to be tolerated by in silico analysis. Based on the available evidence, the clinical significance of this variant remains unclear.